The following is an entry in ClinVar:

NM_023067.4(FOXL2):c.909del (p.Ala304fs)

Gene: FOXL2 (forkhead box L2; minus strand). Cytogenetic location: 3q22.3.
Variant type: Deletion.
Coding change: c.909del on transcript NM_023067.4 (MANE Select); coding-DNA position 909, one base deleted (C; older notation c.909delC).
Protein change: p.Ala304fs; shifts the reading frame from alanine 304.
Molecular consequence: frameshift variant.
Genome position (GRCh38, 1-based): chr3:138,945,814, G deleted on the plus strand (C on the coding strand, the reverse complement: FOXL2 is on the minus strand); the first of 2 consecutive G bases (chr3:138,945,814-138,945,815); deleting either gives the same sequence. VCF-style (leftmost placement, unchanged base first): chr3-138945813-CG-C. GRCh37 (hg19) VCF-style: chr3-138664655-CG-C.
Other names: short protein forms A304fs.
Identifiers: ClinVar variation 2049060 (VCV002049060.4), dbSNP rs2473811864, ClinGen allele CA2580068841.
Genomic context (GRCh38, chr3:138,945,813, plus strand): 5'-GGCTGAGCTGGCCCGGCGGCGGCGCGGCGGCCCCGTGGTGCGGTGGGGCAGGCGGCGGTG[CG>C]GCGGCCGCGTGCAGATGGTGTGCGTGCGGATGCGGGTGGGGGTGCGGCGGAGGCGGGGGT-3'

ClinVar aggregate classification (germline): Pathogenic (1 of 4 stars; one submission).

Submission:

Labcorp Genetics (formerly Invitae), Labcorp
Classification: Pathogenic. Last evaluated: 2021-12-19. Review status: criteria provided, single submitter. Criteria: Invitae Variant Classification Sherloc (09022015). Collection method: clinical testing. Allele origin: germline.
Comment: This variant disrupts a region of the FOXL2 protein in which other variant(s) (p.Pro307Hisfs*52) have been determined to be pathogenic (PMID: 11468277). This suggests that this is a clinically significant region of the protein, and that variants that disrupt it are likely to be disease-causing. For these reasons, this variant has been classified as Pathogenic. This variant has not been reported in the literature in individuals affected with FOXL2-related conditions. The frequency data for this variant in the population databases is considered unreliable, as metrics indicate insufficient coverage at this position in the gnomAD database. This sequence change creates a premature translational stop signal (p.Ala304Hisfs*52) in the FOXL2 gene. While this is not anticipated to result in nonsense mediated decay, it is expected to disrupt the last 73 amino acid(s) of the FOXL2 protein.

Literature cited by the submitters: PubMed 11468277.